The following is an entry in ClinVar:

NM_000213.5(ITGB4):c.2422G>A (p.Ala808Thr)

Gene: ITGB4 (integrin subunit beta 4; plus strand). Cytogenetic location: 17q25.1.
Variant type: single nucleotide variant.
Coding change: c.2422G>A on transcript NM_000213.5 (MANE Select); coding-DNA position 2422, G replaced by A.
Protein change: p.Ala808Thr; replaces alanine 808 with threonine.
Molecular consequence: missense variant.
Genome position (GRCh38, 1-based): chr17:75,740,047, G>A. VCF-style: chr17-75740047-G-A. GRCh37 (hg19) VCF-style: chr17-73736128-G-A.
Other names: c.2422G>A, p.Ala808Thr (NM_001005619.2, NM_001005731.3, NM_001321123.2); short protein forms A808T.
Identifiers: ClinVar variation 325162 (VCV000325162.55), dbSNP rs147480547, ClinGen allele CA8769382.

ClinVar aggregate classification (germline): Benign/Likely benign. Review status: criteria provided, multiple submitters, no conflicts (2 of 4 stars). 7 submissions from 7 submitters: Benign (1); Likely benign (5). 1 of the submissions does not count toward it. Last evaluated 2026-01-24.

Conditions:
Inborn genetic diseases. Identifiers: MedGen C0950123, MeSH D030342.
Epidermolysis bullosa simplex 1C, localized. Also called: EBS, ACRAL FORM; EPIDERMOLYSIS BULLOSA OF HANDS AND FEET; Localized epidermolysis bullosa simplex; Epidermolysis Bullosa Simplex, Weber-Cockayne Type; Weber-Cockayne Syndrome. Identifiers: Orphanet 79400, MedGen C0080333, MONDO:0007551, OMIM 131800.
Junctional epidermolysis bullosa with pyloric atresia. Also called: Epidermolysis bullosa, junctional, with pyloric atresia and aplasia cutis congenita; Epidermolysis bullosa junctionalis with pyloric atresia; APLASIA CUTIS CONGENITA WITH GASTROINTESTINAL ATRESIA; CARMI SYNDROME; EB-PA-ACC; EPIDERMOLYSIS BULLOSA, JUNCTIONAL 5B, WITH PYLORIC ATRESIA. Identifiers: Orphanet 79403, MedGen C5676875, MONDO:0009183, OMIM 226730.
Epidermolysis bullosa, junctional 5A, intermediate. Also called: EPIDERMOLYSIS BULLOSA, JUNCTIONAL 5A, GENERALIZED INTERMEDIATE; EPIDERMOLYSIS BULLOSA, JUNCTIONAL 5A, NON-HERLITZ TYPE. Identifiers: MedGen C5676956, MONDO:0030768, OMIM 619816.
ITGB4-related disorder. Also called: ITGB4-related condition.

Allele frequency attached by ClinVar (database versions not stated): TOPMed 0.00065; ESP Exome Variant Server 0.00108; ExAC 0.00133.
gnomAD v4.1: 1,708 of 1,612,606 alleles (0.11%); highest among the groups gnomAD compares: Middle Eastern, 0.53%; 7 homozygotes.

Submissions (7):

Labcorp Genetics (formerly Invitae), Labcorp
Classification: Benign. Last evaluated: 2026-01-24. Review status: criteria provided, single submitter. Criteria: Invitae Variant Classification Sherloc (09022015). Collection method: clinical testing. Allele origin: germline.

CeGaT Center for Human Genetics Tuebingen
Classification: Likely benign. Last evaluated: 2026-01-01. Review status: criteria provided, single submitter. Criteria: CeGaT Center For Human Genetics Tuebingen Variant Classification Criteria Version 2. Collection method: clinical testing. Allele origin: germline. Affected: yes. Observed: 2 variant alleles.
Comment: ITGB4: BP4, BS2

Ambry Genetics
Classification: Likely benign for Inborn genetic diseases. Last evaluated: 2024-10-29. Review status: criteria provided, single submitter. Criteria: Ambry Variant Classification Scheme 2023. Collection method: clinical testing. Allele origin: germline.

Department of Pathology and Laboratory Medicine, Sinai Health System
Classification: Likely benign for Junctional epidermolysis bullosa with pyloric atresia; Epidermolysis bullosa, junctional 5A, intermediate. Last evaluated: 2022-08-16. Review status: criteria provided, single submitter. Criteria: ACMG Guidelines, 2015. Collection method: research. Allele origin: germline.

Institute of Human Genetics, University of Leipzig Medical Center
Classification: Likely benign for Epidermolysis bullosa simplex 1C, localized. Last evaluated: 2019-01-01. Review status: criteria provided, single submitter. Criteria: ACMG Guidelines, 2015. Collection method: clinical testing. Allele origin: unknown. Affected: yes.

Illumina Laboratory Services, Illumina
Classification: Likely benign for Junctional epidermolysis bullosa with pyloric atresia. Last evaluated: 2018-01-13. Review status: criteria provided, single submitter. Criteria: ICSL Variant Classification Criteria 13 December 2019. Collection method: clinical testing. Allele origin: germline.
Comment: This variant was observed in the ICSL laboratory as part of a predisposition screen in an ostensibly healthy population. It had not been previously curated by ICSL or reported in the Human Gene Mutation Database (HGMD: prior to June 1st, 2018), and was therefore a candidate for classification through an automated scoring system. Utilizing variant allele frequency, disease prevalence and penetrance estimates, and inheritance mode, an automated score was calculated to assess if this variant is too frequent to cause the disease. Based on the score and internal cut-off values, a variant classified as likely benign is not then subjected to further curation. The score for this variant resulted in a classification of likely benign for this disease.

PreventionGenetics, part of Exact Sciences
Classification: Likely benign for ITGB4-related condition. Last evaluated: 2021-04-13. Review status: no assertion criteria provided. Collection method: clinical testing. Allele origin: germline. Not counted in ClinVar's aggregate classification.
Comment: This variant is classified as likely benign based on ACMG/AMP sequence variant interpretation guidelines (Richards et al. 2015 PMID: 25741868, with internal and published modifications).